The following is an entry in ClinVar:

ClinVar aggregate classification (germline): Uncertain significance. Review status: criteria provided, multiple submitters, no conflicts (2 of 4 stars). 3 submissions from 3 submitters: Uncertain significance (3). Last evaluated 2026-09-25.

Conditions:
MORC2-related disorder. Also called: MORC2-related condition.
Inborn genetic diseases. Identifiers: MedGen C0950123, MeSH D030342.
Charcot-Marie-Tooth disease axonal type 2Z. Also called: CHARCOT-MARIE-TOOTH DISEASE, AXONAL, AUTOSOMAL DOMINANT, TYPE 2Z; CHARCOT-MARIE-TOOTH NEUROPATHY, TYPE 2Z. Identifiers: Orphanet 466768, MedGen C5569025, MONDO:0014736, OMIM 616688.

Allele frequency attached by ClinVar (database versions not stated): gnomAD exomes below 0.00001 and 0.00004; gnomAD 0.00001; TOPMed 0.00002.
gnomAD v4.1: 57 of 1,614,010 alleles (0.0035%); highest among the groups gnomAD compares: Non-Finnish European, 0.0047%; no homozygotes.

Submissions (3):

PreventionGenetics, part of Exact Sciences
Classification: Uncertain significance for MORC2-related condition. Last evaluated: 2026-09-25. Review status: criteria provided, single submitter. Criteria: ACMG Guidelines, 2015. Collection method: clinical testing. Allele origin: germline.
Comment: The MORC2 c.2411A>G variant is predicted to result in the amino acid substitution p.Asn804Ser. To our knowledge, this variant has not been reported in the literature. This variant is reported in 0.00088% of alleles in individuals of European (Non-Finnish) descent in gnomAD. At this time, the clinical significance of this variant is uncertain due to the absence of conclusive functional and genetic evidence.

Labcorp Genetics (formerly Invitae), Labcorp
Classification: Uncertain significance for Charcot-Marie-Tooth disease axonal type 2Z. Last evaluated: 2023-06-04. Review status: criteria provided, single submitter. Criteria: Invitae Variant Classification Sherloc (09022015). Collection method: clinical testing. Allele origin: germline.
Comment: Advanced modeling of protein sequence and biophysical properties (such as structural, functional, and spatial information, amino acid conservation, physicochemical variation, residue mobility, and thermodynamic stability) has been performed at Invitae for this missense variant, however the output from this modeling did not meet the statistical confidence thresholds required to predict the impact of this variant on MORC2 protein function. ClinVar contains an entry for this variant (Variation ID: 1001538). This variant has not been reported in the literature in individuals affected with MORC2-related conditions. This variant is not present in population databases (gnomAD no frequency). This sequence change replaces asparagine, which is neutral and polar, with serine, which is neutral and polar, at codon 804 of the MORC2 protein (p.Asn804Ser). In summary, the available evidence is currently insufficient to determine the role of this variant in disease. Therefore, it has been classified as a Variant of Uncertain Significance.

Ambry Genetics
Classification: Uncertain significance for Inborn genetic diseases. Last evaluated: 2023-02-21. Review status: criteria provided, single submitter. Criteria: Ambry Variant Classification Scheme 2023. Collection method: clinical testing. Allele origin: germline.

NM_001303256.3(MORC2):c.2411A>G (p.Asn804Ser)

Gene: MORC2 (MORC family CW-type zinc finger 2; minus strand). Cytogenetic location: 22q12.2.
Variant type: single nucleotide variant.
Coding change: c.2411A>G on transcript NM_001303256.3 (MANE Select); coding-DNA position 2411, A replaced by G.
Protein change: p.Asn804Ser; replaces asparagine 804 with serine.
Molecular consequence: missense variant.
Genome position (GRCh38, 1-based): chr22:30,933,000, T>C on the plus strand (A>G on the coding strand, the complement: MORC2 is on the minus strand). VCF-style: chr22-30933000-T-C. GRCh37 (hg19) VCF-style: chr22-31328987-T-C.
Other names: c.2411A>G (NM_001303256.2); c.2411A>G, p.Asn804Ser (NM_001303257.2); c.2225A>G, p.Asn742Ser (NM_014941.3); short protein forms N742S, N804S.
Identifiers: ClinVar variation 1001538 (VCV001001538.10), dbSNP rs759734334, ClinGen allele CA323269738.